The following is an entry in ClinVar:

ClinVar aggregate classification (germline): Pathogenic. Review status: reviewed by expert panel (3 of 4 stars). 19 submissions from 19 submitters: Pathogenic (1). 18 of the submissions do not count toward it. Last evaluated 2016-04-22.

Conditions:
Monogenic short statue.
Hereditary cancer-predisposing syndrome. Also called: Tumor predisposition; Neoplastic Syndromes, Hereditary; Hereditary neoplastic syndrome; Hereditary Cancer Syndrome. Identifiers: Orphanet 140162, MedGen C0027672, MeSH D009386, MONDO:0015356.
Familial cancer of breast. Also called: Hereditary breast cancer; BREAST CANCER, FAMILIAL; hereditary breast carcinoma. Identifiers: Orphanet 227535, MedGen C0346153, MONDO:0016419, OMIM 114480. Disease mechanism: loss of function.
Breast-ovarian cancer, familial, susceptibility to, 2 (BROVCA2). Also called: BRCA2 Hereditary Breast and Ovarian Cancer. Identifiers: Orphanet 145, MedGen C2675520, MONDO:0012933, OMIM 612555. Disease mechanism: loss of function.
Hereditary breast ovarian cancer syndrome. Also called: Hereditary breast and ovarian cancer; Hereditary breast and ovarian cancer syndrome (HBOC); Hereditary breast and/or ovarian cancer syndrome; Breast and ovarian cancer; Hereditary breast and ovarian cancer syndrome; BRCA1- and BRCA2-Associated Hereditary Breast and Ovarian Cancer. Identifiers: Orphanet 145, MedGen C0677776, MeSH D061325, MONDO:0003582. Disease mechanism: loss of function.

Allele frequency attached by ClinVar (database versions not stated): gnomAD exomes below 0.00001.

Submissions 1 to 10 of 19:

Evidence-based Network for the Interpretation of Germline Mutant Alleles (ENIGMA)
Classification: Pathogenic for Breast-ovarian cancer, familial, susceptibility to, 2. Last evaluated: 2016-04-22. Review status: reviewed by expert panel. Criteria: ENIGMA BRCA1/2 Classification Criteria (2015). Collection method: curation. Allele origin: germline.
Comment: Variant allele predicted to encode a truncated non-functional protein.

NHS Central & South Genomic Laboratory Hub
Classification: Pathogenic for Monogenic short statue. Last evaluated: 2025-10-21. Review status: criteria provided, single submitter. Criteria: ACMG Guidelines, 2015. Collection method: clinical testing. Allele origin: germline. Affected: yes. Not counted in ClinVar's aggregate classification.

Labcorp Genetics (formerly Invitae), Labcorp
Classification: Pathogenic for Hereditary breast ovarian cancer syndrome. Last evaluated: 2025-07-31. Review status: criteria provided, single submitter. Criteria: Invitae Variant Classification Sherloc (09022015). Collection method: clinical testing. Allele origin: germline. Not counted in ClinVar's aggregate classification.
Comment: This sequence change creates a premature translational stop signal (p.Glu2863Argfs*6) in the BRCA2 gene. It is expected to result in an absent or disrupted protein product. Loss-of-function variants in BRCA2 are known to be pathogenic (PMID: 20104584). This variant is not present in population databases (gnomAD no frequency). This premature translational stop signal has been observed in individual(s) with breast cancer (PMID: 12601471, 26976419). This variant is also known as 8813_8814insT. ClinVar contains an entry for this variant (Variation ID: 38170). For these reasons, this variant has been classified as Pathogenic.

GeneKor MSA
Classification: Pathogenic for Hereditary breast ovarian cancer syndrome. Last evaluated: 2025-06-26. Review status: criteria provided, single submitter. Criteria: ACMG Guidelines, 2015. Collection method: clinical testing. Allele origin: germline. Affected: yes. Not counted in ClinVar's aggregate classification.
Comment: This sequence change inserts one base in exon 20 of the BRCA2 mRNA c.(8585dup) causing a frameshift after codon 2863 and the creation of a premature translation stop signal 6 amino acid residues later, p.(Glu2863Argfs*6). This is expected to result in an absent or non-functional protein product. Loss-of-function variants in BRCA2 are known to be pathogenic (PMID:20104584). This variant is not present in population databases (rs80359720). This premature translational stop signal has been observed in individuals with breast cancer (PMID:12601471, 26976419).The mutation database ClinVar contains entries for this variant where it is listed as pathogenic (VCV000038170.31). Based on the classification criteria set by the ACMG and AMP (PMID:25741868) this variant has been classified as pathogenic. According to international guidelines it is recommended that relatives of the patient are tested for the above mutation

Molecular Pathology, Peter Maccallum Cancer Centre
Classification: Pathogenic for Breast-ovarian cancer, familial, susceptibility to, 2. Last evaluated: 2024-03-12. Review status: criteria provided, single submitter. Criteria: ACMG Guidelines, 2015. Collection method: clinical testing. Allele origin: germline. Inheritance: Autosomal dominant inheritance. Not counted in ClinVar's aggregate classification.

Genetic Services Laboratory, University of Chicago
Classification: Pathogenic. Last evaluated: 2024-02-15. Review status: criteria provided, single submitter. Criteria: ACMG Guidelines, 2015. Collection method: clinical testing. Allele origin: germline. Affected: yes. Not counted in ClinVar's aggregate classification.
Comment: DNA sequence analysis of the BRCA2 gene demonstrated a single base pair duplication in exon 20, c.8585dup. This sequence change results in an amino acid frameshift and creates a premature stop codon 5 amino acids downstream of the change, p.Glu2863Argfs*6. This sequence change is predicted to result in an abnormal transcript, which may be degraded, or may lead to the production of a truncated BRCA2 protein with potentially abnormal function. The c.8585dup sequence change has not been described in population databases such as ExAC and gnomAD (dbSNP rs80359720). This sequence change has previously been described in several individuals and families with breast cancer (PMID: 12601471, 26976419, 31451522, 36605468, 33754277). These collective evidences indicate that this sequence change is pathogenic, however functional studies have not been performed to prove this conclusively.

Ambry Genetics
Classification: Pathogenic for Hereditary cancer-predisposing syndrome. Last evaluated: 2024-02-14. Review status: criteria provided, single submitter. Criteria: Ambry Variant Classification Scheme 2023. Collection method: clinical testing. Allele origin: germline. Not counted in ClinVar's aggregate classification.
Comment: The c.8585dupT pathogenic mutation, located in coding exon 19 of the BRCA2 gene, results from a duplication of T at nucleotide position 8585, causing a translational frameshift with a predicted alternate stop codon (p.E2863Rfs*6). This mutation has been reported in multiple breast cancer cohorts (Scott CL et al. Hum. Genet., 2003 May;112:542-51; Tung N et al. J Clin Oncol, 2016 May;34:1460-8; Rebbeck TR et al. Hum Mutat, 2018 05;39:593-620; Ebrahimi E et al. Cancer Prev Res (Phila), 2019 Nov;12:763-770). Of note, this alteration is also designated as 8813_8814insT and 8585_8586insT in published literature. In addition to the clinical data presented in the literature, this alteration is expected to result in loss of function by premature protein truncation or nonsense-mediated mRNA decay. As such, this alteration is interpreted as a disease-causing mutation.

GeneDx
Classification: Pathogenic. Last evaluated: 2023-09-10. Review status: criteria provided, single submitter. Criteria: GeneDx Variant Classification Process June 2021. Collection method: clinical testing. Allele origin: germline. Affected: yes. Not counted in ClinVar's aggregate classification.
Comment: Frameshift variant predicted to result in protein truncation or nonsense mediated decay in a gene for which loss of function is a known mechanism of disease; Truncating variants in this gene are considered pathogenic by a well-established clinical consortium and/or database; Observed in individuals with BRCA2-related cancers (Scott et al., 2003; Tung et al., 2016; Lilyquist et al., 2017; Taylor et al., 2017); Not observed at significant frequency in large population cohorts (gnomAD); Also known as 8813dup, 8813insT, 8813_8814insT, 8585_8586insT; This variant is associated with the following publications: (PMID: 26976419, 21702907, 12601471, 28067867, 28281021, 30787465, 33754277, 33804961, 31723001, 29446198, 32338768, 35912641, 14732925, 20104584, 25186627, 31451522, 28888541, 32918181)

All of Us Research Program, National Institutes of Health
Classification: Pathogenic for Breast-ovarian cancer, familial, susceptibility to, 2. Last evaluated: 2023-08-28. Review status: criteria provided, single submitter. Criteria: ACMG Guidelines, 2015. Collection method: clinical testing. Allele origin: germline. Inheritance: Autosomal dominant inheritance. Observed: 2 variant alleles, 2 heterozygotes. Not counted in ClinVar's aggregate classification.
Comment: This variant inserts 1 nucleotide in exon 20 of the BRCA2 gene, creating a frameshift and premature translation stop signal. This variant is expected to result in an absent or non-functional protein product. This variant has been reported in at least three individuals affected with breast and/or ovarian cancer (PMID: 25186627, 26976419, 31451522, 36605468) and in more than 10 suspected hereditary breast and ovarian cancer families (PMID: 12601471, 29446198, 33754277). This variant has not been identified in the general population by the Genome Aggregation Database (gnomAD). Loss of BRCA2 function is a known mechanism of disease. Based on the available evidence, this variant is classified as Pathogenic.

This study involves interpretation of variants in research participants for the purpose of population health screening. Participant phenotype was not available at the time of variant classification. Additional details can be found in publication PMID: 35346344, PMCID: PMC8962531

Color Diagnostics, LLC DBA Color Health
Classification: Pathogenic for Hereditary cancer-predisposing syndrome. Last evaluated: 2023-06-15. Review status: criteria provided, single submitter. Criteria: ACMG Guidelines, 2015. Collection method: clinical testing. Allele origin: germline. Not counted in ClinVar's aggregate classification.
Comment: This variant inserts 1 nucleotide in exon 20 of the BRCA2 gene, creating a frameshift and premature translation stop signal. This variant is expected to result in an absent or non-functional protein product. This variant has been reported in at least three individuals affected with breast and/or ovarian cancer (PMID: 25186627, 26976419, 31451522, 36605468) and in more than 10 suspected hereditary breast and ovarian cancer families (PMID: 12601471, 29446198, 33754277). This variant has not been identified in the general population by the Genome Aggregation Database (gnomAD). Loss of BRCA2 function is a known mechanism of disease. Based on the available evidence, this variant is classified as Pathogenic.

NM_000059.4(BRCA2):c.8585dup (p.Glu2863fs)

Gene: BRCA2 (BRCA2 DNA repair associated; plus strand). Cytogenetic location: 13q13.1.
Variant type: Duplication.
Coding change: c.8585dup on transcript NM_000059.4 (MANE Select); coding-DNA position 8585, one base duplicated (T; older notation c.8585dupT).
Protein change: p.Glu2863fs; shifts the reading frame from glutamic acid 2863.
Molecular consequence: frameshift variant.
Genome position (GRCh38, 1-based): chr13:32,371,053, T duplicated. VCF-style (leftmost placement, unchanged base first): chr13-32371052-C-CT. GRCh37 (hg19) VCF-style: chr13-32945189-C-CT.
Other names: 8813_8814insT; 8813insT; c.8585dupT (NM_000059.3); short protein forms E2863fs.
Identifiers: ClinVar variation 38170 (VCV000038170.36), dbSNP rs80359720, ClinGen allele CA025723.